The following is an entry in ClinVar:

NM_000260.4(MYO7A):c.6063G>A (p.Lys2021=)

Gene: MYO7A (myosin VIIA; plus strand). Cytogenetic location: 11q13.5.
Variant type: single nucleotide variant.
Coding change: c.6063G>A on transcript NM_000260.4 (MANE Select); coding-DNA position 6063, G replaced by A.
Protein change: p.Lys2021=; no amino-acid change (lysine 2021 retained).
Molecular consequence: synonymous variant.
Genome position (GRCh38, 1-based): chr11:77,211,163, G>A. VCF-style: chr11-77211163-G-A. GRCh37 (hg19) VCF-style: chr11-76922208-G-A.
Other names: p.K2021K:AAG>AAA; c.5949G>A, p.Lys1983= (NM_001127180.2); c.5916G>A, p.Lys1972= (NM_001369365.1).
Identifiers: ClinVar variation 43317 (VCV000043317.21), dbSNP rs111033209, ClinGen allele CA132418.

ClinVar aggregate classification (germline): Benign. Review status: criteria provided, multiple submitters, no conflicts (2 of 4 stars). 10 submissions from 8 submitters: Benign (9). 1 of the submissions does not count toward it. Last evaluated 2026-02-02.

Conditions:
Usher syndrome type 1 (USH1). Also called: RETINITIS PIGMENTOSA AND CONGENITAL DEAFNESS. Identifiers: Orphanet 231169, Orphanet 886, MedGen C1568247, MONDO:0010168, OMIM 276900.
Usher syndrome type 1B (USH1B). Also called: Usher syndrome type IB. Identifiers: MedGen C1848638, MONDO:0700087.
Autosomal recessive nonsyndromic hearing loss 2. Also called: DEAFNESS, AUTOSOMAL RECESSIVE 2; NEUROSENSORY NONSYNDROMIC RECESSIVE DEAFNESS 2. Identifiers: Orphanet 90636, MedGen C1838701, MONDO:0010807, OMIM 600060.
Autosomal dominant nonsyndromic hearing loss 11. Identifiers: Orphanet 90635, MedGen C1832475, MONDO:0011032, OMIM 601317.

Allele frequency attached by ClinVar (database versions not stated): ExAC 0.02134; ESP Exome Variant Server 0.02851; gnomAD 0.02858 and 0.03064; 1000 Genomes Project 0.03095; TOPMed 0.03199; 1000 Genomes Project 30x 0.03342; gnomAD exomes 0.00301 and 0.00673.
gnomAD v4.1: 8,842 of 1,580,260 alleles (0.56%); highest among the groups gnomAD compares: African/African-American, 10%; 408 homozygotes.

Submissions (10):

Labcorp Genetics (formerly Invitae), Labcorp
Classification: Benign. Last evaluated: 2026-02-02. Review status: criteria provided, single submitter. Criteria: Invitae Variant Classification Sherloc (09022015). Collection method: clinical testing. Allele origin: germline.

ARUP Laboratories, Molecular Genetics and Genomics, ARUP Laboratories
Classification: Benign. Last evaluated: 2023-10-16. Review status: criteria provided, single submitter. Criteria: ARUP Molecular Germline Variant Investigation Process 2024. Collection method: clinical testing. Allele origin: germline.

Athena Diagnostics
Classification: Benign. Last evaluated: 2018-09-12. Review status: criteria provided, single submitter. Criteria: Athena Diagnostics Criteria. Collection method: clinical testing. Allele origin: germline.

Illumina Laboratory Services, Illumina
Classification: Benign for Usher syndrome type 1. Last evaluated: 2018-01-13. Review status: criteria provided, single submitter. Criteria: ICSL Variant Classification Criteria 13 December 2019. Collection method: clinical testing. Allele origin: germline.
Comment: This variant was observed in the ICSL laboratory as part of a predisposition screen in an ostensibly healthy population. It had not been previously curated by ICSL or reported in the Human Gene Mutation Database (HGMD: prior to June 1st, 2018), and was therefore a candidate for classification through an automated scoring system. Utilizing variant allele frequency, disease prevalence and penetrance estimates, and inheritance mode, an automated score was calculated to assess if this variant is too frequent to cause the disease. Based on the score and internal cut-off values, a variant classified as benign is not then subjected to further curation. The score for this variant resulted in a classification of benign for this disease.

Illumina Laboratory Services, Illumina
Classification: Benign for Autosomal dominant nonsyndromic hearing loss 11. Last evaluated: 2018-01-13. Review status: criteria provided, single submitter. Criteria: ICSL Variant Classification Criteria 13 December 2019. Collection method: clinical testing. Allele origin: germline.
Comment: the same text as in the submission from Illumina Laboratory Services, Illumina above.

Illumina Laboratory Services, Illumina
Classification: Benign for Autosomal recessive nonsyndromic hearing loss 2. Last evaluated: 2018-01-13. Review status: criteria provided, single submitter. Criteria: ICSL Variant Classification Criteria 13 December 2019. Collection method: clinical testing. Allele origin: germline.
Comment: the same text as in the submission from Illumina Laboratory Services, Illumina above.

GeneDx
Classification: Benign. Last evaluated: 2013-04-04. Review status: criteria provided, single submitter. Criteria: GeneDx Variant Classification (06012015). Collection method: clinical testing. Allele origin: germline. Affected: yes.
Comment: This variant is considered likely benign or benign based on one or more of the following criteria: it is a conservative change, it occurs at a poorly conserved position in the protein, it is predicted to be benign by multiple in silico algorithms, and/or has population frequency not consistent with disease.

Laboratory for Molecular Medicine, Mass General Brigham Personalized Medicine
Classification: Benign. Last evaluated: 2010-12-14. Review status: criteria provided, single submitter. Criteria: LMM Criteria. Collection method: clinical testing. Allele origin: germline. Observed: 36 variant alleles.
Comment: Lys2021Lys in exon 45 of MYO7A: This variant is not expected to have clinical si gnificance because it does not alter an amino acid residue is not located near a splice junction and is found commonly in the Black population (5/28 = 18%).

Breakthrough Genomics
Classification: Benign. Review status: criteria provided, single submitter. Criteria: ACMG Guidelines, 2015. Collection method: not provided. Allele origin: germline. Inheritance: Autosomal recessive inheritance. Affected: yes.

Natera, Inc.
Classification: Benign for Usher syndrome type 1B. Last evaluated: 2020-09-16. Review status: no assertion criteria provided. Collection method: clinical testing. Allele origin: germline. Not counted in ClinVar's aggregate classification.